The following is an entry in ClinVar:

NM_001354768.3(NRL):c.338A>G (p.Tyr113Cys)

Gene: NRL (neural retina leucine zipper; minus strand). Cytogenetic location: 14q11.2.
Variant type: single nucleotide variant.
Coding change: c.338A>G on transcript NM_001354768.3 (MANE Select); coding-DNA position 338, A replaced by G.
Protein change: p.Tyr113Cys; replaces tyrosine 113 with cysteine.
Molecular consequence: missense variant. On other transcripts: intron variant (1).
Genome position (GRCh38, 1-based): chr14:24,082,511, T>C on the plus strand (A>G on the coding strand, the complement: NRL is on the minus strand). VCF-style: chr14-24082511-T-C. GRCh37 (hg19) VCF-style: chr14-24551720-T-C.
Other names: c.338A>G, p.Tyr113Cys (NM_001354769.1, NM_006177.5); c.66+272A>G (NM_001354770.2); short protein forms Y113C.
Identifiers: ClinVar variation 1055578 (VCV001055578.10), dbSNP rs972469809, ClinGen allele CA389279558.

ClinVar aggregate classification (germline): Uncertain significance (1 of 4 stars; one submission).

Allele frequency attached by ClinVar (database versions not stated): gnomAD exomes 0.00001.
gnomAD v4.1: 3 of 1,613,218 alleles (0.00019%); highest among the groups gnomAD compares: Admixed American, 0.005%; no homozygotes.

Submission:

Labcorp Genetics (formerly Invitae), Labcorp
Classification: Uncertain significance. Last evaluated: 2023-07-17. Review status: criteria provided, single submitter. Criteria: Invitae Variant Classification Sherloc (09022015). Collection method: clinical testing. Allele origin: germline.
Comment: An algorithm developed to predict the effect of missense changes on protein structure and function (PolyPhen-2) suggests that this variant is likely to be tolerated. In summary, the available evidence is currently insufficient to determine the role of this variant in disease. Therefore, it has been classified as a Variant of Uncertain Significance. ClinVar contains an entry for this variant (Variation ID: 1055578). This missense change has been observed in individual(s) with clinical features of NRL-related conditions (Invitae). This variant is present in population databases (no rsID available, gnomAD 0.006%). This sequence change replaces tyrosine, which is neutral and polar, with cysteine, which is neutral and slightly polar, at codon 113 of the NRL protein (p.Tyr113Cys).